The following is an entry in ClinVar:

ClinVar aggregate classification (germline): Pathogenic. Review status: criteria provided, multiple submitters, no conflicts (2 of 4 stars). 2 submissions from 2 submitters: Pathogenic (2). Last evaluated 2024-08-30.

Conditions:
Tuberous sclerosis 1 (TSC1). Identifiers: Orphanet 805, MedGen C1854465, MONDO:0008612, OMIM 191100.

Submissions (2):

Labcorp Genetics (formerly Invitae), Labcorp
Classification: Pathogenic for Tuberous sclerosis 1. Last evaluated: 2024-08-30. Review status: criteria provided, single submitter. Criteria: Invitae Variant Classification Sherloc (09022015). Collection method: clinical testing. Allele origin: germline.
Comment: This sequence change creates a premature translational stop signal (p.Leu388Glyfs*17) in the TSC1 gene. It is expected to result in an absent or disrupted protein product. Loss-of-function variants in TSC1 are known to be pathogenic (PMID: 10227394, 17304050). This variant is not present in population databases (gnomAD no frequency). This variant has not been reported in the literature in individuals affected with TSC1-related conditions. ClinVar contains an entry for this variant (Variation ID: 419396). For these reasons, this variant has been classified as Pathogenic.

GeneDx
Classification: Pathogenic. Last evaluated: 2018-12-28. Review status: criteria provided, single submitter. Criteria: GeneDx Variant Classification (06012015). Collection method: clinical testing. Allele origin: germline. Affected: yes.
Comment: The c.1162_1163delCT deletion in the TSC1 gene causes a frameshift starting with codon Leucine 388,changes this amino acid to a Glycine residue and creates a premature Stop codon at position 17 of the newreading frame, denoted p.Leu388GlyfsX17. This deletion is predicted to cause loss of normal proteinfunction either through protein truncation or nonsense-mediated mRNA decay. Although this variant hasnot been previously reported to our knowledge, many other frameshift variants have been reported in theTSC1 gene in association with tuberous sclerosis (Stenson et al., 2014). Therefore, we interpret the c.1162_1163delCT variant to be pathogenic.

Literature cited by the submitters: PubMed 10227394 (cited by Labcorp Genetics (formerly Invitae), Labcorp); PubMed 17304050 (cited by Labcorp Genetics (formerly Invitae), Labcorp).

NM_000368.5(TSC1):c.1162_1163del (p.Leu388fs)

Gene: TSC1 (TSC complex subunit 1; minus strand). Cytogenetic location: 9q34.13.
Variant type: Microsatellite.
Coding change: c.1162_1163del on transcript NM_000368.5 (MANE Select); coding-DNA positions 1162 to 1163, 2 bases deleted (CT; older notation c.1162_1163delCT).
Protein change: p.Leu388fs; shifts the reading frame from leucine 388.
Molecular consequence: frameshift variant.
Genome position (GRCh38, 1-based): chr9:132,910,671-132,910,672, AG deleted on the plus strand (CT on the coding strand, the reverse complement: TSC1 is on the minus strand); deleting any 2 consecutive bases within chr9:132,910,671-132,910,674 gives the same sequence; the c. name uses the placement nearest the transcript's 3' end. VCF-style (leftmost placement, unchanged base first): chr9-132910670-CAG-C. GRCh37 (hg19) VCF-style: chr9-135786057-CAG-C.
Other names: c.1162_1163delCT (NM_000368.4); c.1159_1160del, p.Leu387fs (NM_001162426.2); c.1009_1010del, p.Leu337fs (NM_001162427.2); c.799_800del, p.Leu267fs (NM_001362177.2); short protein forms L267fs, L387fs, L388fs, L337fs.
Identifiers: ClinVar variation 419396 (VCV000419396.6), dbSNP rs1064793844, ClinGen allele CA16618775.